The following is an entry in ClinVar:

ClinVar aggregate classification (germline): Uncertain significance. Review status: criteria provided, multiple submitters, no conflicts (2 of 4 stars). 5 submissions from 5 submitters: Uncertain significance (4). 1 of the submissions does not count toward it. Last evaluated 2024-11-07.

Conditions:
Glycogen storage disease, type II (IOPD). Also called: Glucosidase acid-1,4-alpha deficiency; Pompe Disease; POMPE DISEASE, INFANTILE-ONSET; GLYCOGEN STORAGE DISEASE II, INFANTILE-ONSET; ACID ALPHA-GLUCOSIDASE DEFICIENCY, INFANTILE-ONSET; GAA DEFICIENCY, INFANTILE-ONSET. Identifiers: Orphanet 365, MedGen C0017921, MONDO:0009290, OMIM 232300.

Allele frequency attached by ClinVar (database versions not stated): ExAC 0.00001; gnomAD exomes 0.00002.
gnomAD v4.1: 51 of 1,612,820 alleles (0.0032%); highest among the groups gnomAD compares: Middle Eastern, 0.016%; no homozygotes.

Submissions (5):

Blueprint Genetics
Classification: Uncertain significance. Last evaluated: 2024-11-07. Review status: criteria provided, single submitter. Criteria: ACMG Guidelines, 2015. Collection method: clinical testing. Allele origin: germline.

Labcorp Genetics (formerly Invitae), Labcorp
Classification: Uncertain significance for Glycogen storage disease, type II. Last evaluated: 2024-10-19. Review status: criteria provided, single submitter. Criteria: Invitae Variant Classification Sherloc (09022015). Collection method: clinical testing. Allele origin: germline.
Comment: This sequence change replaces threonine, which is neutral and polar, with methionine, which is neutral and non-polar, at codon 149 of the GAA protein (p.Thr149Met). This variant is present in population databases (rs750628023, gnomAD 0.004%). This variant has not been reported in the literature in individuals affected with GAA-related conditions. ClinVar contains an entry for this variant (Variation ID: 1043255). Invitae Evidence Modeling of protein sequence and biophysical properties (such as structural, functional, and spatial information, amino acid conservation, physicochemical variation, residue mobility, and thermodynamic stability) indicates that this missense variant is not expected to disrupt GAA protein function with a negative predictive value of 95%. In summary, the available evidence is currently insufficient to determine the role of this variant in disease. Therefore, it has been classified as a Variant of Uncertain Significance.

Mayo Clinic Laboratories, Mayo Clinic
Classification: Uncertain significance. Last evaluated: 2024-06-06. Review status: criteria provided, single submitter. Criteria: ACMG Guidelines, 2015. Collection method: clinical testing. Allele origin: germline. Observed: 1 variant allele.
Comment: PM2_moderate

Fulgent Genetics
Classification: Uncertain significance for Glycogen storage disease, type II. Last evaluated: 2021-10-17. Review status: criteria provided, single submitter. Criteria: ACMG Guidelines, 2015. Collection method: clinical testing. Allele origin: unknown.

Natera, Inc.
Classification: Uncertain significance for Glycogen storage disease type II. Last evaluated: 2020-09-30. Review status: no assertion criteria provided. Collection method: clinical testing. Allele origin: germline. Not counted in ClinVar's aggregate classification.

Literature cited by the submitters: PubMed 28554557 (cited by Mayo Clinic Laboratories, Mayo Clinic).

NM_000152.5(GAA):c.446C>T (p.Thr149Met)

Gene: GAA (alpha glucosidase; plus strand). Cytogenetic location: 17q25.3.
Variant type: single nucleotide variant.
Coding change: c.446C>T on transcript NM_000152.5 (MANE Select); coding-DNA position 446, C replaced by T.
Protein change: p.Thr149Met; replaces threonine 149 with methionine.
Molecular consequence: missense variant.
Genome position (GRCh38, 1-based): chr17:80,105,032, C>T. VCF-style: chr17-80105032-C-T. GRCh37 (hg19) VCF-style: chr17-78078831-C-T.
Other names: p.Thr149Met; c.446C>T, p.Thr149Met (NM_001079803.3, NM_001079804.3); short protein forms T149M.
Identifiers: ClinVar variation 1043255 (VCV001043255.10), dbSNP rs750628023, ClinGen allele CA8814873.
Genomic context (GRCh38, chr17:80,105,032, plus strand): 5'-TCCCACCCAGCTACCCCAGCTACAAGCTGGAGAACCTGAGCTCCTCTGAAATGGGCTACA[C>T]GGCCACCCTGACCCGTACCACCCCCACCTTCTTCCCCAAGGACATCCTGACCCTGCGGCT-3'
Protein context (NP_000143.2, residues 139-159): ENLSSSEMGY[Thr149Met]ATLTRTTPTF